The following is an entry in ClinVar:

ClinVar aggregate classification (germline): Uncertain significance (0 of 4 stars; one submission).

Allele frequency attached by ClinVar (database versions not stated): gnomAD exomes 0.00011 and 0.00033; ExAC 0.00034; gnomAD 0.00084 and 0.00088; ESP Exome Variant Server 0.00085; TOPMed 0.00096; 1000 Genomes Project 0.00100; 1000 Genomes Project 30x 0.00109.
gnomAD v4.1: 304 of 1,614,162 alleles (0.019%); highest among the groups gnomAD compares: African/African-American, 0.3%; 1 homozygote.

Submission:

Department of Pathology and Laboratory Medicine, Sinai Health System
Classification: Uncertain significance. Review status: no assertion criteria provided. Collection method: clinical testing. Allele origin: unknown. Affected: yes. Study: The Canadian Open Genetics Repository (COGR).
Comment: The CTHRC1 p.Arg142His variant was not identified in the literature nor was it identified in ClinVar, Cosmic or LOVD 3.0. The variant was identified in dbSNP (ID: rs145062750) and was found in control databases in 113 of 282640 chromosomes at a frequency of 0.0004 increasing the likelihood this could be a low frequency benign variant (Genome Aggregation Database Feb 27, 2017). The variant was observed in the following populations: African in 87 of 24968 chromosomes (freq: 0.003484), South Asian in 18 of 30612 chromosomes (freq: 0.000588), Other in 1 of 7218 chromosomes (freq: 0.000139), Latino in 2 of 35436 chromosomes (freq: 0.000056), East Asian in 1 of 19952 chromosomes (freq: 0.00005) and European (non-Finnish) in 4 of 128968 chromosomes (freq: 0.000031), while the variant was not observed in the Ashkenazi Jewish and European (Finnish) populations. The variant occurs outside of the splicing consensus sequence and in silico or computational prediction software programs (SpliceSiteFinder, MaxEntScan, NNSPLICE, GeneSplicer) do not predict a difference in splicing. The p.Arg142 residue is conserved in mammals and computational analyses (PolyPhen-2, SIFT, AlignGVGD, BLOSUM, MutationTaster) provide inconsistent predictions regarding the impact to the protein; this information is not very predictive of pathogenicity. In summary, based on the above information the clinical significance of this variant cannot be determined with certainty at this time. This variant is classified as a variant of uncertain significance.

NM_138455.4(CTHRC1):c.467G>A (p.Arg156His)

Gene: CTHRC1 (collagen triple helix repeat containing 1; plus strand). Cytogenetic location: 8q22.3.
Variant type: single nucleotide variant.
Coding change: c.467G>A on transcript NM_138455.4 (MANE Select); coding-DNA position 467, G replaced by A.
Protein change: p.Arg156His; replaces arginine 156 with histidine.
Molecular consequence: missense variant.
Genome position (GRCh38, 1-based): chr8:103,378,121, G>A. VCF-style: chr8-103378121-G-A. GRCh37 (hg19) VCF-style: chr8-104390349-G-A.
Other names: c.425G>A, p.Arg142His (NM_001256099.2); short protein forms R142H, R156H.
Identifiers: ClinVar variation 1050372 (VCV001050372.1), dbSNP rs145062750, ClinGen allele CA4835260.